The following is an entry in ClinVar:

NM_001035.3(RYR2):c.3127A>G (p.Lys1043Glu)

Gene: RYR2 (ryanodine receptor 2; plus strand). Cytogenetic location: 1q43.
Variant type: single nucleotide variant.
Coding change: c.3127A>G on transcript NM_001035.3 (MANE Select); coding-DNA position 3127, A replaced by G.
Protein change: p.Lys1043Glu; replaces lysine 1043 with glutamic acid.
Molecular consequence: missense variant.
Genome position (GRCh38, 1-based): chr1:237,550,604, A>G. VCF-style: chr1-237550604-A-G. GRCh37 (hg19) VCF-style: chr1-237713904-A-G.
Other names: short protein forms K1043E.
Identifiers: ClinVar variation 3069669 (VCV003069669.1), dbSNP rs1343049727, ClinGen allele CA345394784.

ClinVar aggregate classification (germline): Uncertain significance (1 of 4 stars; one submission).

Conditions:
Catecholaminergic polymorphic ventricular tachycardia (CVPT). Also called: Catecholamine-induced polymorphic ventricular tachycardia. Identifiers: Orphanet 3286, MedGen C5574922, MONDO:0017990.

Allele frequency attached by ClinVar (database versions not stated): gnomAD exomes below 0.00001; TOPMed below 0.00001; gnomAD 0.00001.
gnomAD v4.1: 3 of 1,603,714 alleles (0.00019%); highest among the groups gnomAD compares: African/African-American, 0.0013%; no homozygotes.

Submission:

All of Us Research Program, National Institutes of Health
Classification: Uncertain significance for Catecholaminergic polymorphic ventricular tachycardia. Last evaluated: 2023-05-31. Review status: criteria provided, single submitter. Criteria: ACMG Guidelines, 2015. Collection method: clinical testing. Allele origin: germline. Inheritance: Autosomal dominant inheritance. Observed: 2 variant alleles, 2 heterozygotes.
Comment: This missense variant replaces lysine with glutamic acid at codon 1043 of the RYR2 protein. Computational prediction suggests that this variant may have deleterious impact on protein structure and function (internally defined REVEL score threshold >= 0.7, PMID: 27666373). To our knowledge, functional studies have not been reported for this variant. This variant has not been reported in individuals affected with RYR2-related disorders in the literature. This variant has been identified in 1/31390 chromosomes in the general population by the Genome Aggregation Database (gnomAD). The available evidence is insufficient to determine the role of this variant in disease conclusively. Therefore, this variant is classified as a Variant of Uncertain Significance.

This study involves interpretation of variants in research participants for the purpose of population health screening. Participant phenotype was not available at the time of variant classification. Additional details can be found in publication PMID: 35346344, PMCID: PMC8962531